The following is an entry in ClinVar:

NM_001035.3(RYR2):c.3946A>G (p.Lys1316Glu)

Genes: RYR2 (ryanodine receptor 2; plus strand), LOC126806067 (BRD4-independent group 4 enhancer GRCh37_chr1:237753258-237754457; plus strand). Cytogenetic location: 1q43.
Variant type: single nucleotide variant.
Coding change: c.3946A>G on transcript NM_001035.3 (MANE Select); coding-DNA position 3946, A replaced by G.
Protein change: p.Lys1316Glu; replaces lysine 1316 with glutamic acid.
Molecular consequence: missense variant.
Genome position (GRCh38, 1-based): chr1:237,590,778, A>G. VCF-style: chr1-237590778-A-G. GRCh37 (hg19) VCF-style: chr1-237754078-A-G.
Other names: c.3946A>G (NM_001035.2); short protein forms K1316E.
Identifiers: ClinVar variation 923824 (VCV000923824.8), dbSNP rs1675067457, ClinGen allele CA345397415.

ClinVar aggregate classification (germline): Uncertain significance. Review status: criteria provided, multiple submitters, no conflicts (2 of 4 stars). 3 submissions from 3 submitters: Uncertain significance (3). Last evaluated 2024-11-04.

Conditions:
Cardiovascular phenotype. Identifiers: MedGen CN230736.
Cardiomyopathy (CMYO). Also called: Cardiomyopathies. Identifiers: Orphanet 167848, MedGen C0878544, MONDO:0004994, HP:0001638. Inheritance: Various modes of inheritance.
Catecholaminergic polymorphic ventricular tachycardia 1. Also called: VENTRICULAR TACHYCARDIA, CATECHOLAMINERGIC POLYMORPHIC, 1, WITH OR WITHOUT ATRIAL DYSFUNCTION AND/OR DILATED CARDIOMYOPATHY; RYR2-Related Catecholaminergic Polymorphic Ventricular Tachycardia; VENTRICULAR TACHYCARDIA, STRESS-INDUCED POLYMORPHIC 1. Identifiers: Orphanet 3286, MedGen C1631597, MONDO:0011484, OMIM 604772.

Allele frequency attached by ClinVar (database versions not stated): gnomAD exomes below 0.00001; TOPMed below 0.00001.

Submissions (3):

Labcorp Genetics (formerly Invitae), Labcorp
Classification: Uncertain significance for Catecholaminergic polymorphic ventricular tachycardia 1. Last evaluated: 2024-11-04. Review status: criteria provided, single submitter. Criteria: Invitae Variant Classification Sherloc (09022015). Collection method: clinical testing. Allele origin: germline.
Comment: This sequence change replaces lysine, which is basic and polar, with glutamic acid, which is acidic and polar, at codon 1316 of the RYR2 protein (p.Lys1316Glu). This variant is not present in population databases (gnomAD no frequency). This variant has not been reported in the literature in individuals affected with RYR2-related conditions. ClinVar contains an entry for this variant (Variation ID: 923824). Invitae Evidence Modeling of protein sequence and biophysical properties (such as structural, functional, and spatial information, amino acid conservation, physicochemical variation, residue mobility, and thermodynamic stability) indicates that this missense variant is not expected to disrupt RYR2 protein function with a negative predictive value of 95%. In summary, the available evidence is currently insufficient to determine the role of this variant in disease. Therefore, it has been classified as a Variant of Uncertain Significance.

Color Diagnostics, LLC DBA Color Health
Classification: Uncertain significance for Cardiomyopathy. Last evaluated: 2023-12-04. Review status: criteria provided, single submitter. Criteria: ACMG Guidelines, 2015. Collection method: clinical testing. Allele origin: germline.
Comment: This missense variant replaces lysine with glutamic acid at codon 1316 of the RYR2 protein. Computational prediction suggests that this variant may not impact protein structure and function (internally defined REVEL score threshold <= 0.5, PMID: 27666373). To our knowledge, functional studies have not been reported for this variant. This variant has not been reported in individuals affected with RYR2-related disorders in the literature. This variant has not been identified in the general population by the Genome Aggregation Database (gnomAD). The available evidence is insufficient to determine the role of this variant in disease conclusively. Therefore, this variant is classified as a Variant of Uncertain Significance.

Ambry Genetics
Classification: Uncertain significance for Cardiovascular phenotype. Last evaluated: 2018-06-28. Review status: criteria provided, single submitter. Criteria: Ambry Variant Classification Scheme 2023. Collection method: clinical testing. Allele origin: germline.
Comment: The p.K1316E variant (also known as c.3946A>G), located in coding exon 31 of the RYR2 gene, results from an A to G substitution at nucleotide position 3946. The lysine at codon 1316 is replaced by glutamic acid, an amino acid with similar properties. This amino acid position is not well conserved in available vertebrate species. In addition, the in silico prediction for this alteration is inconclusive. Since supporting evidence is limited at this time, the clinical significance of this alteration remains unclear.